The following is an entry in ClinVar:

NM_000088.4(COL1A1):c.1981C>T (p.Gln661Ter)

Gene: COL1A1 (collagen type I alpha 1 chain; minus strand). Cytogenetic location: 17q21.33.
Variant type: single nucleotide variant.
Coding change: c.1981C>T on transcript NM_000088.4 (MANE Select); coding-DNA position 1981, C replaced by T.
Protein change: p.Gln661Ter; replaces glutamine 661 with a stop codon.
Molecular consequence: nonsense.
Genome position (GRCh38, 1-based): chr17:50,192,477, G>A on the plus strand (C>T on the coding strand, the complement: COL1A1 is on the minus strand). VCF-style: chr17-50192477-G-A. GRCh37 (hg19) VCF-style: chr17-48269838-G-A.
Other names: short protein forms Q661*.
Identifiers: ClinVar variation 1072430 (VCV001072430.10), dbSNP rs72651631, ClinGen allele CA291544208.

ClinVar aggregate classification (germline): Pathogenic. Review status: criteria provided, multiple submitters, no conflicts (2 of 4 stars). 2 submissions from 2 submitters: Pathogenic (2). Last evaluated 2025-03-31.

Conditions:
COL1A1-related disorder. Also called: COL1A1- related disease; COL1A1-related condition.
Osteogenesis imperfecta type I (OI1). Also called: Osteogenesis imperfecta type 1; Lobstein's Disease; Lobstein disease; OI, TYPE I; OSTEOGENESIS IMPERFECTA TARDA; OSTEOGENESIS IMPERFECTA WITH BLUE SCLERAE. Identifiers: Orphanet 216796, Orphanet 666, MedGen C0023931, MONDO:0008146, OMIM 166200. Disease mechanism: loss of function.

gnomAD v4.1: 2 of 1,611,014 alleles (0.00012%); highest among the groups gnomAD compares: Non-Finnish European, 0.00017%; no homozygotes.

Submissions (2):

3billion
Classification: Pathogenic for COL1A1-related disorder. Last evaluated: 2025-03-31. Review status: criteria provided, single submitter. Criteria: ACMG Guidelines, 2015. Collection method: clinical testing. Allele origin: germline. Affected: yes.

Labcorp Genetics (formerly Invitae), Labcorp
Classification: Pathogenic for Osteogenesis imperfecta type I. Last evaluated: 2024-10-29. Review status: criteria provided, single submitter. Criteria: Invitae Variant Classification Sherloc (09022015). Collection method: clinical testing. Allele origin: germline.
Comment: This sequence change creates a premature translational stop signal (p.Gln661*) in the COL1A1 gene. It is expected to result in an absent or disrupted protein product. Loss-of-function variants in COL1A1 are known to be pathogenic (PMID: 7942841, 9295084, 9443882). The frequency data for this variant in the population databases is considered unreliable, as metrics indicate poor data quality at this position in the gnomAD database. This premature translational stop signal has been observed in individual(s) with clinical features of osteogenesis imperfecta (PMID: 23529829). ClinVar contains an entry for this variant (Variation ID: 1072430). For these reasons, this variant has been classified as Pathogenic.

Literature cited by the submitters: PubMed 23529829 (cited by 3billion and Labcorp Genetics (formerly Invitae), Labcorp); PubMed 7942841 (cited by Labcorp Genetics (formerly Invitae), Labcorp); PubMed 9295084 (cited by Labcorp Genetics (formerly Invitae), Labcorp); PubMed 9443882 (cited by Labcorp Genetics (formerly Invitae), Labcorp).